The following is an entry in ClinVar:

ClinVar aggregate classification (germline): Uncertain significance (1 of 4 stars; one submission).

Conditions:
Hereditary sensory and autonomic neuropathy type 6. Also called: Neuropathy, hereditary sensory and autonomic, type VI; HSAN VI. Identifiers: Orphanet 314381, MedGen C3539003, MONDO:0013839, OMIM 614653.
Epidermolysis bullosa simplex 3, localized or generalized intermediate, with BP230 deficiency (EBS3). Also called: Epidermolysis bullosa simplex due to BP230 deficiency; Epidermolysis bullosa simplex, autosomal recessive 2. Identifiers: Orphanet 412181, MedGen C3809470, MONDO:0014180, OMIM 615425.

gnomAD v4.1: 21 of 1,611,464 alleles (0.0013%); highest among the groups gnomAD compares: African/African-American, 0.011%; no homozygotes.

Submission:

Labcorp Genetics (formerly Invitae), Labcorp
Classification: Uncertain significance for Epidermolysis bullosa simplex 3, localized or generalized intermediate, with BP230 deficiency; Hereditary sensory and autonomic neuropathy type 6. Last evaluated: 2025-10-23. Review status: criteria provided, single submitter. Criteria: Invitae Variant Classification Sherloc (09022015). Collection method: clinical testing. Allele origin: germline.
Comment: The DST gene has multiple clinically relevant transcripts. This variant occurs in alternate transcript NM_015548.4, and corresponds to NM_001723.5:c.*1099A>G in the primary transcript. This sequence change replaces asparagine, which is neutral and polar, with aspartic acid, which is acidic and polar, at codon 1129 of the DST protein (p.Asn1129Asp). This variant is present in population databases (no rsID available, gnomAD 0.008%). This variant has not been reported in the literature in individuals affected with DST-related conditions. Experimental studies and prediction algorithms are not available or were not evaluated, and the functional significance of this variant is currently unknown. In summary, the available evidence is currently insufficient to determine the role of this variant in disease. Therefore, it has been classified as a Variant of Uncertain Significance.

NM_001374736.1(DST):c.4996A>G (p.Asn1666Asp)

Gene: DST (dystonin; minus strand). Cytogenetic location: 6p12.1.
Variant type: single nucleotide variant.
Coding change: c.4996A>G on transcript NM_001374736.1 (MANE Select); coding-DNA position 4996, A replaced by G.
Protein change: p.Asn1666Asp; replaces asparagine 1666 with aspartic acid.
Molecular consequence: missense variant.
Genome position (GRCh38, 1-based): chr6:56,614,418, T>C on the plus strand (A>G on the coding strand, the complement: DST is on the minus strand). VCF-style: chr6-56614418-T-C. GRCh37 (hg19) VCF-style: chr6-56479216-T-C.
Other names: c.4897A>G, p.Asn1633Asp (NM_001144769.5); c.4483A>G, p.Asn1495Asp (NM_001144770.2); c.4996A>G, p.Asn1666Asp (NM_001374722.1); c.4363A>G, p.Asn1455Asp (NM_001374729.1, NM_001374730.1, NM_001386100.1 and 1 more transcripts); c.5023A>G, p.Asn1675Asp (NM_001374734.1); c.3385A>G, p.Asn1129Asp (NM_015548.5); short protein forms N1495D, N1129D, N1666D, N1675D, N1633D, N1455D.
Identifiers: ClinVar variation 4794168 (VCV004794168.1).